The following is an entry in ClinVar:

ClinVar aggregate classification (germline): Pathogenic (1 of 4 stars; one submission).

Conditions:
Tuberous sclerosis 1 (TSC1). Identifiers: Orphanet 805, MedGen C1854465, MONDO:0008612, OMIM 191100.

Submission:

Labcorp Genetics (formerly Invitae), Labcorp
Classification: Pathogenic for Tuberous sclerosis 1. Last evaluated: 2020-06-01. Review status: criteria provided, single submitter. Criteria: Invitae Variant Classification Sherloc (09022015). Collection method: clinical testing. Allele origin: germline.
Comment: This sequence change creates a premature translational stop signal (p.Arg484*) in the TSC1 gene. It is expected to result in an absent or disrupted protein product. This variant is not present in population databases (ExAC no frequency). This variant has not been reported in the literature in individuals with TSC1-related conditions. Loss-of-function variants in TSC1 are known to be pathogenic (PMID: 10227394, 17304050). For these reasons, this variant has been classified as Pathogenic.

Literature cited by the submitters: PubMed 10227394; PubMed 17304050.

NM_000368.5(TSC1):c.1450A>T (p.Arg484Ter)

Gene: TSC1 (TSC complex subunit 1; minus strand). Cytogenetic location: 9q34.13.
Variant type: single nucleotide variant.
Coding change: c.1450A>T on transcript NM_000368.5 (MANE Select); coding-DNA position 1450, A replaced by T.
Protein change: p.Arg484Ter; replaces arginine 484 with a stop codon.
Molecular consequence: nonsense.
Genome position (GRCh38, 1-based): chr9:132,906,128, T>A on the plus strand (A>T on the coding strand, the complement: TSC1 is on the minus strand). VCF-style: chr9-132906128-T-A. GRCh37 (hg19) VCF-style: chr9-135781515-T-A.
Other names: c.1447A>T, p.Arg483Ter (NM_001162426.2); c.1297A>T, p.Arg433Ter (NM_001162427.2); c.1087A>T, p.Arg363Ter (NM_001362177.2); short protein forms R363*, R433*, R483*, R484*.
Identifiers: ClinVar variation 1076403 (VCV001076403.7), dbSNP rs2131850310, ClinGen allele CA375365587.